The following is an entry in ClinVar:

NM_001349798.2(FBXW7):c.670C>T (p.Arg224Ter)

Gene: FBXW7 (F-box and WD repeat domain containing 7; minus strand). Cytogenetic location: 4q31.3.
Variant type: single nucleotide variant.
Coding change: c.670C>T on transcript NM_001349798.2 (MANE Select); coding-DNA position 670, C replaced by T.
Protein change: p.Arg224Ter; replaces arginine 224 with a stop codon.
Molecular consequence: nonsense.
Genome position (GRCh38, 1-based): chr4:152,346,986, G>A on the plus strand (C>T on the coding strand, the complement: FBXW7 is on the minus strand). VCF-style: chr4-152346986-G-A. GRCh37 (hg19) VCF-style: chr4-153268138-G-A.
Other names: c.316C>T, p.Arg106Ter (NM_001013415.2); c.430C>T, p.Arg144Ter (NM_018315.5); c.670C>T, p.Arg224Ter (NM_033632.3); short protein forms R106*, R144*, R224*.
Identifiers: ClinVar variation 1722937 (VCV001722937.3), dbSNP rs1406877044, ClinGen allele CA358615648.
Genomic context (GRCh38, chr4:152,346,986, plus strand): 5'-TCACCTGAAACATTTTTAGCCATTCCTGGAGGCCTGTAGGTGGCTGGACAGATGTAATTC[G>A]GCGTCGTTGTTGCCCTTGGCCATTGGCTGCTCTGAGGTCCCCAAAAGTTGTTGGTGTTGC-3'

ClinVar aggregate classification (germline): Pathogenic (1 of 4 stars; one submission).

Allele frequency attached by ClinVar (database versions not stated): TOPMed below 0.00001.

Submission:

GeneDx
Classification: Pathogenic. Last evaluated: 2023-10-20. Review status: criteria provided, single submitter. Criteria: GeneDx Variant Classification Process June 2021. Collection method: clinical testing. Allele origin: germline. Affected: yes.
Comment: Nonsense variant predicted to result in protein truncation or nonsense mediated decay in a gene for which loss of function is a known mechanism of disease; Not observed at significant frequency in large population cohorts (gnomAD); This variant is associated with the following publications: (PMID: 28061006, 30885698)